The following is an entry in ClinVar:

ClinVar aggregate classification (germline): Uncertain significance (1 of 4 stars; one submission).

Submission:

GeneDx
Classification: Uncertain significance. Last evaluated: 2024-06-07. Review status: criteria provided, single submitter. Criteria: GeneDx Variant Classification Process June 2021. Collection method: clinical testing. Allele origin: germline. Affected: yes.
Comment: Not observed at significant frequency in large population cohorts (gnomAD); In-frame insertion of 3 amino acids in a non-repeat region; Has not been previously published as pathogenic or benign to our knowledge

NM_000257.4(MYH7):c.4429_4437dup (p.Thr1479_Glu1480insLeuSerThr)

Genes: MHRT (myosin heavy chain associated RNA transcript; plus strand), MYH7 (myosin heavy chain 7; minus strand). Cytogenetic location: 14q11.2.
Variant type: Duplication.
Coding change: c.4429_4437dup on transcript NM_000257.4 (MANE Select); coding-DNA positions 4429 to 4437, 9 bases duplicated (CTCAGCACA; older notation c.4429_4437dupCTCAGCACA).
Protein change: p.Thr1479_Glu1480insLeuSerThr.
Molecular consequence: non-coding transcript variant (on NR_126491.1).
Genome position (GRCh38, 1-based): chr14:23,417,235-23,417,243, TGTGCTGAG duplicated on the plus strand (CTCAGCACA on the coding strand, the reverse complement: MYH7 is on the minus strand). VCF-style (leftmost placement, unchanged base first): chr14-23417234-C-CTGTGCTGAG. GRCh37 (hg19) VCF-style: chr14-23886443-C-CTGTGCTGAG.
Other names: c.4429_4437dup, p.Thr1479_Glu1480insLeuSerThr (NM_001407004.1).
Identifiers: ClinVar variation 3384324 (VCV003384324.1).